The following is an entry in ClinVar:

NM_001272046.2(VWA2):c.1071C>T (p.Asp357=)

Genes: AFAP1L2 (actin filament associated protein 1 like 2; minus strand), VWA2 (von Willebrand factor A domain containing 2; plus strand). Cytogenetic location: 10q25.3.
Variant type: single nucleotide variant.
Coding change: c.1071C>T on transcript NM_001272046.2 (MANE Select); coding-DNA position 1071, C replaced by T.
Protein change: p.Asp357=; no amino-acid change (aspartic acid 357 retained).
Molecular consequence: synonymous variant.
Genome position (GRCh38, 1-based): chr10:114,286,012, C>T. VCF-style: chr10-114286012-C-T. GRCh37 (hg19) VCF-style: chr10-116045771-C-T.
Other names: c.1071C>T, p.Asp357= (NM_001320804.1).
Identifiers: ClinVar variation 3350646 (VCV003350646.1).

ClinVar aggregate classification (germline): Likely benign (0 of 4 stars; one submission).

Conditions:
VWA2-related disorder. Also called: VWA2-related condition.

gnomAD v4.1: 33 of 1,614,034 alleles (0.002%); highest among the groups gnomAD compares: East Asian, 0.0067%; no homozygotes.

Submission:

PreventionGenetics, part of Exact Sciences
Classification: Likely benign for VWA2-related condition. Last evaluated: 2024-05-06. Review status: no assertion criteria provided. Collection method: clinical testing. Allele origin: germline.
Comment: This variant is classified as likely benign based on ACMG/AMP sequence variant interpretation guidelines (Richards et al. 2015 PMID: 25741868, with internal and published modifications).